The following is an entry in ClinVar:

ClinVar aggregate classification (germline): Uncertain significance. Review status: criteria provided, multiple submitters, no conflicts (2 of 4 stars). 2 submissions from 2 submitters: Uncertain significance (2). Last evaluated 2025-11-10.

Conditions:
Primary ciliary dyskinesia 23 (CILD23). Also called: CILIARY DYSKINESIA, PRIMARY, 23, WITH OR WITHOUT SITUS INVERSUS. Identifiers: Orphanet 244, MedGen C3809548, MONDO:0014193, OMIM 615451.
Primary ciliary dyskinesia. Also called: Ciliary dyskinesia. Identifiers: Orphanet 244, MedGen C0008780, MONDO:0016575, HP:0012265.

Allele frequency attached by ClinVar (database versions not stated): ExAC 0.00004; gnomAD exomes 0.00004 and 0.00012; TOPMed 0.00006; ESP Exome Variant Server 0.00008; gnomAD 0.00008 and 0.00009.
gnomAD v4.1: 184 of 1,613,108 alleles (0.011%); highest among the groups gnomAD compares: Non-Finnish European, 0.015%; no homozygotes.

Submissions (2):

Labcorp Genetics (formerly Invitae), Labcorp
Classification: Uncertain significance for Primary ciliary dyskinesia 23. Last evaluated: 2025-11-10. Review status: criteria provided, single submitter. Criteria: Invitae Variant Classification Sherloc (09022015). Collection method: clinical testing. Allele origin: germline.
Comment: This sequence change replaces glycine, which is neutral and non-polar, with valine, which is neutral and non-polar, at codon 268 of the ARMC4 protein (p.Gly268Val). This variant is present in population databases (rs372616728, gnomAD 0.009%). This variant has not been reported in the literature in individuals affected with ARMC4-related conditions. ClinVar contains an entry for this variant (Variation ID: 1681390). An algorithm developed to predict the effect of missense changes on protein structure and function (PolyPhen-2) suggests that this variant is likely to be disruptive. Algorithms developed to predict the effect of sequence changes on RNA splicing suggest that this variant may disrupt the consensus splice site. In summary, the available evidence is currently insufficient to determine the role of this variant in disease. Therefore, it has been classified as a Variant of Uncertain Significance.

Ambry Genetics
Classification: Uncertain significance for Primary ciliary dyskinesia. Last evaluated: 2021-12-13. Review status: criteria provided, single submitter. Criteria: Ambry Variant Classification Scheme 2023. Collection method: clinical testing. Allele origin: germline.
Comment: The p.G268V variant (also known as c.803G>T), located in coding exon 5 of the ARMC4 gene, results from a G to T substitution at nucleotide position 803. The glycine at codon 268 is replaced by valine, an amino acid with dissimilar properties. This amino acid position is highly conserved in available vertebrate species. In addition, this alteration is predicted to be deleterious by in silico analysis. Since supporting evidence is limited at this time, the clinical significance of this alteration remains unclear.

NM_018076.5(ODAD2):c.803G>T (p.Gly268Val)

Gene: ODAD2 (outer dynein arm docking complex subunit 2; minus strand). Cytogenetic location: 10p12.1.
Variant type: single nucleotide variant.
Coding change: c.803G>T on transcript NM_018076.5 (MANE Select); coding-DNA position 803, G replaced by T.
Protein change: p.Gly268Val; replaces glycine 268 with valine.
Molecular consequence: missense variant.
Genome position (GRCh38, 1-based): chr10:27,983,859, C>A on the plus strand (G>T on the coding strand, the complement: ODAD2 is on the minus strand). VCF-style: chr10-27983859-C-A. GRCh37 (hg19) VCF-style: chr10-28272788-C-A.
Other names: c.803G>T, p.Gly268Val (NM_001290020.2); short protein forms G268V.
Identifiers: ClinVar variation 1681390 (VCV001681390.16), dbSNP rs372616728, ClinGen allele CA5453718.